The following is an entry in ClinVar:

ClinVar aggregate classification (germline): Uncertain significance (1 of 4 stars; one submission).

Conditions:
Epidermolysis bullosa simplex with nail dystrophy (EBS5D). Identifiers: MedGen C4225309, MONDO:0014661, OMIM 616487.
Epidermolysis bullosa simplex, Ogna type (EBS5A). Also called: EPIDERMOLYSIS BULLOSA SIMPLEX 5A, OGNA TYPE; Pidermolysis bullosa simplex 5A, Ogna type. Identifiers: Orphanet 79401, MedGen C0432317, MONDO:0007555, OMIM 131950.
Epidermolysis bullosa simplex 5C, with pyloric atresia (EBS5C). Also called: PLEC1-Related Epidermolysis Bullosa with Pyloric Atresia; PLEC-Related Epidermolysis Bullosa with Pyloric Atresia; Epidermolysis bullosa simplex with pyloric atresia. Identifiers: Orphanet 158684, MedGen C2677349, MONDO:0012807, OMIM 612138.
Autosomal recessive limb-girdle muscular dystrophy type 2Q (LGMDR17). Also called: MUSCULAR DYSTROPHY, LIMB-GIRDLE, AUTOSOMAL RECESSIVE 17. Identifiers: Orphanet 254361, MedGen C3150989, MONDO:0013390, OMIM 613723.
Epidermolysis bullosa simplex 5B, with muscular dystrophy (EBS5B). Also called: EPIDERMOLYSIS BULLOSA SIMPLEX AND LIMB-GIRDLE MUSCULAR DYSTROPHY; Epidermolysis bullosa simplex with muscular dystrophy. Identifiers: Orphanet 257, MedGen C2931072, MONDO:0009181, OMIM 226670.

Submission:

Labcorp Genetics (formerly Invitae), Labcorp
Classification: Uncertain significance for Autosomal recessive limb-girdle muscular dystrophy type 2Q; Epidermolysis bullosa simplex, Ogna type; Epidermolysis bullosa simplex with nail dystrophy; Epidermolysis bullosa simplex 5C, with pyloric atresia; Epidermolysis bullosa simplex 5B, with muscular dystrophy. Last evaluated: 2023-12-19. Review status: criteria provided, single submitter. Criteria: Invitae Variant Classification Sherloc (09022015). Collection method: clinical testing. Allele origin: germline.
Comment: This sequence change replaces lysine, which is basic and polar, with asparagine, which is neutral and polar, at codon 119 of the PLEC protein (p.Lys119Asn). This variant is not present in population databases (gnomAD no frequency). This variant has not been reported in the literature in individuals affected with PLEC-related conditions. Experimental studies and prediction algorithms are not available or were not evaluated, and the functional significance of this variant is currently unknown. In summary, the available evidence is currently insufficient to determine the role of this variant in disease. Therefore, it has been classified as a Variant of Uncertain Significance.

NM_201384.3(PLEC):c.276G>C (p.Lys92Asn)

Gene: PLEC (plectin; minus strand). Cytogenetic location: 8q24.3.
Variant type: single nucleotide variant.
Coding change: c.276G>C on transcript NM_201384.3 (MANE Select); coding-DNA position 276, G replaced by C.
Protein change: p.Lys92Asn; replaces lysine 92 with asparagine.
Molecular consequence: missense variant.
Genome position (GRCh38, 1-based): chr8:143,937,231, C>G on the plus strand (G>C on the coding strand, the complement: PLEC is on the minus strand). VCF-style: chr8-143937231-C-G. GRCh37 (hg19) VCF-style: chr8-145011399-C-G.
Other names: c.357G>C, p.Lys119Asn (NM_000445.5, NM_001410941.1); c.234G>C, p.Lys78Asn (NM_201378.4); c.210G>C, p.Lys70Asn (NM_201379.3); c.687G>C, p.Lys229Asn (NM_201380.4); c.180G>C, p.Lys60Asn (NM_201381.3); c.276G>C, p.Lys92Asn (NM_201382.4); c.288G>C, p.Lys96Asn (NM_201383.3); short protein forms K119N, K229N, K60N, K70N, K92N, K78N, K96N.
Identifiers: ClinVar variation 2921506 (VCV002921506.3), dbSNP rs2539190778, ClinGen allele CA372591412.